The following is an entry in ClinVar:

ClinVar aggregate classification (germline): Uncertain significance. Review status: criteria provided, multiple submitters, no conflicts (2 of 4 stars). 3 submissions from 3 submitters: Uncertain significance (2). 1 of the submissions does not count toward it. Last evaluated 2023-10-12.

Conditions:
Autosomal recessive limb-girdle muscular dystrophy type 2B (LGMDR2). Also called: Limb-Girdle Muscular Dystrophy Type 2B (LGMD2B); Limb-girdle muscular dystrophy, type 2B; MUSCULAR DYSTROPHY, LIMB-GIRDLE, AUTOSOMAL RECESSIVE 2; MUSCULAR DYSTROPHY, LIMB-GIRDLE, TYPE 3. Identifiers: Orphanet 268, MedGen C1850889, MONDO:0009676, OMIM 253601.
Neuromuscular disease caused by qualitative or quantitative defects of dysferlin. Also called: Qualitative or quantitative defects of dysferlin; Dysferlinopathy. Identifiers: Orphanet 207073, MedGen C2931687, MONDO:0016145.

Allele frequency attached by ClinVar (database versions not stated): gnomAD 0.00001; ExAC 0.00002; gnomAD exomes 0.00002; TOPMed 0.00002.
gnomAD v4.1: 42 of 1,613,778 alleles (0.0026%); highest among the groups gnomAD compares: South Asian, 0.0088%; no homozygotes.

Submissions (3):

Women's Health and Genetics/Laboratory Corporation of America, LabCorp
Classification: Uncertain significance. Last evaluated: 2023-10-12. Review status: criteria provided, single submitter. Criteria: LabCorp Variant Classification Summary - May 2015. Collection method: clinical testing. Allele origin: germline.
Comment: Variant summary: DYSF c.1403G>A (p.Arg468His) results in a non-conservative amino acid change located in the C2 domain (IPR000008) of the encoded protein sequence. Five of five in-silico tools predict a damaging effect of the variant on protein function. The variant allele was found at a frequency of 1.6e-05 in 251460 control chromosomes (gnomAD). The available data on variant occurrences in the general population are insufficient to allow any conclusion about variant significance. c.1403G>A has been reported in the literature in individuals affected with dysferlinopathy (example: Nashi_2023). This report does not provide unequivocal conclusions about association of the variant with Limb-Girdle Muscular Dystrophy, Autosomal Recessive. To our knowledge, no experimental evidence demonstrating an impact on protein function has been reported. The following publication has been ascertained in the context of this evaluation (PMID: 36580222). Two submitters have cited clinical-significance assessments for this variant to ClinVar after 2014. All submitters classified the variant as uncertain significance. Based on the evidence outlined above, the variant was classified as uncertain significance.

Labcorp Genetics (formerly Invitae), Labcorp
Classification: Uncertain significance for Neuromuscular disease caused by qualitative or quantitative defects of dysferlin. Last evaluated: 2022-07-25. Review status: criteria provided, single submitter. Criteria: Invitae Variant Classification Sherloc (09022015). Collection method: clinical testing. Allele origin: germline.
Comment: This sequence change replaces arginine, which is basic and polar, with histidine, which is basic and polar, at codon 468 of the DYSF protein (p.Arg468His). This variant is present in population databases (rs775370021, gnomAD 0.01%). This variant has not been reported in the literature in individuals affected with DYSF-related conditions. ClinVar contains an entry for this variant (Variation ID: 1022210). Advanced modeling of protein sequence and biophysical properties (such as structural, functional, and spatial information, amino acid conservation, physicochemical variation, residue mobility, and thermodynamic stability) performed at Invitae indicates that this missense variant is not expected to disrupt DYSF protein function. In summary, the available evidence is currently insufficient to determine the role of this variant in disease. Therefore, it has been classified as a Variant of Uncertain Significance.

Natera, Inc.
Classification: Uncertain significance for Limb-girdle muscular dystrophy type 2B. Last evaluated: 2020-08-03. Review status: no assertion criteria provided. Collection method: clinical testing. Allele origin: germline. Not counted in ClinVar's aggregate classification.

Literature cited by the submitters: PubMed 36580222 (cited by Women's Health and Genetics/Laboratory Corporation of America, LabCorp).

NM_001130987.2(DYSF):c.1499G>A (p.Arg500His)

Gene: DYSF (dysferlin; plus strand). Cytogenetic location: 2p13.2.
Variant type: single nucleotide variant.
Coding change: c.1499G>A on transcript NM_001130987.2 (MANE Select); coding-DNA position 1499, G replaced by A.
Protein change: p.Arg500His; replaces arginine 500 with histidine.
Molecular consequence: missense variant.
Genome position (GRCh38, 1-based): chr2:71,539,162, G>A. VCF-style: chr2-71539162-G-A. GRCh37 (hg19) VCF-style: chr2-71766292-G-A.
Other names: c.1406G>A, p.Arg469His (NM_001130455.2, NM_001130983.2, NM_001130984.2 and 1 more transcripts); c.1403G>A, p.Arg468His (NM_001130976.2, NM_001130977.2, NM_001130978.2 and 1 more transcripts); c.1496G>A, p.Arg499His (NM_001130979.2, NM_001130980.2, NM_001130981.2); c.1499G>A, p.Arg500His (NM_001130982.2, NM_001130985.2); short protein forms R468H, R469H, R499H, R500H.
Identifiers: ClinVar variation 1022210 (VCV001022210.4), dbSNP rs775370021, ClinGen allele CA1705796.